The following is an entry in ClinVar:

NM_015102.5(NPHP4):c.2881C>T (p.Arg961Cys)

Gene: NPHP4 (nephrocystin 4; minus strand). Cytogenetic location: 1p36.31.
Variant type: single nucleotide variant.
Coding change: c.2881C>T on transcript NM_015102.5 (MANE Select); coding-DNA position 2881, C replaced by T.
Protein change: p.Arg961Cys; replaces arginine 961 with cysteine.
Molecular consequence: missense variant. On other transcripts: non-coding transcript variant (1).
Genome position (GRCh38, 1-based): chr1:5,875,037, G>A on the plus strand (C>T on the coding strand, the complement: NPHP4 is on the minus strand). VCF-style: chr1-5875037-G-A. GRCh37 (hg19) VCF-style: chr1-5935097-G-A.
Other names: p.Arg961Cys; c.1342C>T, p.Arg448Cys (NM_001291593.2); c.1345C>T, p.Arg449Cys (NM_001291594.2); c.2881C>T (NM_015102.4); short protein forms R961C, R449C, R448C.
Identifiers: ClinVar variation 500251 (VCV000500251.12), dbSNP rs376773394, ClinGen allele CA553888.

ClinVar aggregate classification (germline): Uncertain significance. Review status: criteria provided, multiple submitters, no conflicts (2 of 4 stars). 5 submissions from 5 submitters: Uncertain significance (5). Last evaluated 2025-12-17.

Conditions:
NPHP4-related disorder. Also called: NPHP4-related disorders; NPHP4-related condition. Identifiers: MedGen CN239384.
Nephronophthisis. Also called: Juvenile Nephronophthisis. Identifiers: Orphanet 655, MedGen C0687120, MONDO:0019005, HP:0000090.
Senior-Loken syndrome 4 (SLSN4). Identifiers: Orphanet 3156, MedGen C1846979, MONDO:0011756, OMIM 606996.
Nephronophthisis 4 (NPHP4). Also called: NEPHRONOPHTHISIS 4, JUVENILE. Identifiers: Orphanet 655, MedGen C1847013, MONDO:0011752, OMIM 606966.

Allele frequency attached by ClinVar (database versions not stated): ExAC 0.00005; TOPMed 0.00005; gnomAD 0.00006; gnomAD exomes 0.00007; ESP Exome Variant Server 0.00008.
gnomAD v4.1: 141 of 1,609,284 alleles (0.0088%); highest among the groups gnomAD compares: South Asian, 0.012%; no homozygotes.

Submissions (5):

PreventionGenetics, part of Exact Sciences
Classification: Uncertain significance for NPHP4-related condition. Last evaluated: 2025-12-17. Review status: criteria provided, single submitter. Criteria: ACMG Guidelines, 2015. Collection method: clinical testing. Allele origin: germline.
Comment: The NPHP4 c.2881C>T variant is predicted to result in the amino acid substitution p.Arg961Cys. To our knowledge, this variant has not been reported in the literature. This variant is reported in 0.011% of alleles in individuals of Latino descent in gnomAD. At this time, the clinical significance of this variant is uncertain due to the absence of conclusive functional and genetic evidence.

Fulgent Genetics
Classification: Uncertain significance for Nephronophthisis 4; Senior-Loken syndrome 4. Last evaluated: 2024-04-29. Review status: criteria provided, single submitter. Criteria: ACMG Guidelines, 2015. Collection method: clinical testing. Allele origin: germline.

Mayo Clinic Laboratories, Mayo Clinic
Classification: Uncertain significance. Last evaluated: 2023-06-09. Review status: criteria provided, single submitter. Criteria: ACMG Guidelines, 2015. Collection method: clinical testing. Allele origin: germline. Observed: 1 variant allele.

Labcorp Genetics (formerly Invitae), Labcorp
Classification: Uncertain significance for Nephronophthisis. Last evaluated: 2022-08-12. Review status: criteria provided, single submitter. Criteria: Invitae Variant Classification Sherloc (09022015). Collection method: clinical testing. Allele origin: germline.
Comment: This sequence change replaces arginine, which is basic and polar, with cysteine, which is neutral and slightly polar, at codon 961 of the NPHP4 protein (p.Arg961Cys). This variant is present in population databases (rs376773394, gnomAD 0.01%). This variant has not been reported in the literature in individuals affected with NPHP4-related conditions. ClinVar contains an entry for this variant (Variation ID: 500251). Algorithms developed to predict the effect of missense changes on protein structure and function are either unavailable or do not agree on the potential impact of this missense change (SIFT: "Deleterious"; PolyPhen-2: "Probably Damaging"; Align-GVGD: "Class C0"). In summary, the available evidence is currently insufficient to determine the role of this variant in disease. Therefore, it has been classified as a Variant of Uncertain Significance.

Eurofins Ntd Llc (ga)
Classification: Uncertain significance. Last evaluated: 2017-02-01. Review status: criteria provided, single submitter. Criteria: EGL Classification Definitions 2015. Collection method: clinical testing. Allele origin: germline. Observed: 1 variant allele, 1 heterozygote.